The following is an entry in ClinVar:

NM_000553.6(WRN):c.3310-5T>C

Gene: WRN (WRN RecQ like helicase; plus strand). Cytogenetic location: 8p12.
Variant type: single nucleotide variant.
Coding change: c.3310-5T>C on transcript NM_000553.6 (MANE Select); 5 bases into the intron before coding-DNA position 3310, T replaced by C.
Molecular consequence: intron variant.
Genome position (GRCh38, 1-based): chr8:31,143,545, T>C. VCF-style: chr8-31143545-T-C. GRCh37 (hg19) VCF-style: chr8-31001061-T-C.
Identifiers: ClinVar variation 2899036 (VCV002899036.3), dbSNP rs2536035566, ClinGen allele CA2739279013.

ClinVar aggregate classification (germline): Uncertain significance (1 of 4 stars; one submission).

Conditions:
Werner syndrome (WRN). Identifiers: Orphanet 902, MedGen C0043119, MONDO:0010196, OMIM 277700.

Submission:

Labcorp Genetics (formerly Invitae), Labcorp
Classification: Uncertain significance for Werner syndrome. Last evaluated: 2023-09-12. Review status: criteria provided, single submitter. Criteria: Invitae Variant Classification Sherloc (09022015). Collection method: clinical testing. Allele origin: germline.
Comment: This variant is not present in population databases (gnomAD no frequency). This sequence change falls in intron 27 of the WRN gene. It does not directly change the encoded amino acid sequence of the WRN protein. This variant has not been reported in the literature in individuals affected with WRN-related conditions. Algorithms developed to predict the effect of sequence changes on RNA splicing suggest that this variant may disrupt the consensus splice site. In summary, the available evidence is currently insufficient to determine the role of this variant in disease. Therefore, it has been classified as a Variant of Uncertain Significance.